The following is an entry in ClinVar:

ClinVar aggregate classification (germline): Pathogenic. Review status: no assertion criteria provided (0 of 4 stars). 2 submissions from 2 submitters: Pathogenic (2). Last evaluated 2012-03-15.

Conditions:
Nemaline myopathy 7 (NEM7). Also called: Nemaline myopathy 7, autosomal recessive. Identifiers: Orphanet 171436, MedGen C1853154, MONDO:0012538, OMIM 610687.

Submissions (2):

GeneReviews
Classification: Pathogenic for Nemaline Myopathy. Last evaluated: 2012-03-15. Review status: no assertion criteria provided. Collection method: curation. Allele origin: unknown.
ClinVar note: Converted during submission from pathologic to Pathogenic.

OMIM
Classification: Pathogenic for NEMALINE MYOPATHY 7. Last evaluated: 2007-01-01. Review status: no assertion criteria provided. Collection method: literature only. Allele origin: germline.

Literature cited by the submitters: PubMed 17160903 (cited by OMIM).

NM_138638.5(CFL2):c.103G>A (p.Ala35Thr)

Gene: CFL2 (cofilin 2; minus strand). Cytogenetic location: 14q13.1.
Variant type: single nucleotide variant.
Coding change: c.103G>A on transcript NM_138638.5 (MANE Select); coding-DNA position 103, G replaced by A.
Protein change: p.Ala35Thr; replaces alanine 35 with threonine.
Molecular consequence: missense variant. On other transcripts: non-coding transcript variant (1).
Genome position (GRCh38, 1-based): chr14:34,713,462, C>T on the plus strand (G>A on the coding strand, the complement: CFL2 is on the minus strand). VCF-style: chr14-34713462-C-T. GRCh37 (hg19) VCF-style: chr14-35182668-C-T.
Other names: c.52G>A, p.Ala18Thr (NM_001243645.2); c.103G>A, p.Ala35Thr (NM_021914.8); short protein forms A35T, A18T.
Identifiers: ClinVar variation 8160 (VCV000008160.3), dbSNP rs80358250, ClinGen allele CA340744.
Genomic context (GRCh38, chr14:34,713,462, plus strand): 5'-TCTGCTTTGCTTCCTCTACAATTATTTGTCTTTTGTCATCGCTTAAACAGAAGAGAACTG[C>T]TTTCTTTCTCTTTTTGATCTCCTCTTGTGTAGAAGATTTCCTTACTTTCATATCATTAAA-3'
Protein context (NP_619579.1, residues 25-45): TQEEIKKRKK[Ala35Thr]VLFCLSDDKR